The following is an entry in ClinVar:

NM_001098.3(ACO2):c.1943G>A (p.Arg648His)

Genes: ACO2 (aconitase 2; plus strand), POLR3H (RNA polymerase III subunit H; minus strand). Cytogenetic location: 22q13.2.
Variant type: single nucleotide variant.
Coding change: c.1943G>A on transcript NM_001098.3 (MANE Select); coding-DNA position 1943, G replaced by A.
Protein change: p.Arg648His; replaces arginine 648 with histidine.
Molecular consequence: missense variant. On other transcripts: 3 prime UTR variant (5).
Genome position (GRCh38, 1-based): chr22:41,526,443, G>A. VCF-style: chr22-41526443-G-A. GRCh37 (hg19) VCF-style: chr22-41922447-G-A.
Other names: c.*2840C>T (NM_001018050.4, NM_001018052.4, NM_001282884.2 and 2 more transcripts); short protein forms R648H.
Identifiers: ClinVar variation 1424091 (VCV001424091.7), dbSNP rs755695367, ClinGen allele CA10257812.

ClinVar aggregate classification (germline): Uncertain significance. Review status: criteria provided, multiple submitters, no conflicts (2 of 4 stars). 2 submissions from 2 submitters: Uncertain significance (2). Last evaluated 2024-09-10.

Allele frequency attached by ClinVar (database versions not stated): gnomAD exomes 0.00001; ExAC 0.00003.
gnomAD v4.1: 3 of 1,612,224 alleles (0.00019%); highest among the groups gnomAD compares: South Asian, 0.0011%; no homozygotes.

Submissions (2):

Centre for Clinical Genetics and Genomic Diagnostics, Zealand University Hospital
Classification: Uncertain significance. Last evaluated: 2024-09-10. Review status: criteria provided, single submitter. Criteria: ACMG Guidelines, 2015. Collection method: clinical testing. Allele origin: germline.

Labcorp Genetics (formerly Invitae), Labcorp
Classification: Uncertain significance. Last evaluated: 2021-11-01. Review status: criteria provided, single submitter. Criteria: Invitae Variant Classification Sherloc (09022015). Collection method: clinical testing. Allele origin: germline.
Comment: In summary, the available evidence is currently insufficient to determine the role of this variant in disease. Therefore, it has been classified as a Variant of Uncertain Significance. Advanced modeling of protein sequence and biophysical properties (such as structural, functional, and spatial information, amino acid conservation, physicochemical variation, residue mobility, and thermodynamic stability) performed at Invitae indicates that this missense variant is expected to disrupt ACO2 protein function. This variant has not been reported in the literature in individuals affected with ACO2-related conditions. This variant is present in population databases (rs755695367, gnomAD 0.007%). This sequence change replaces arginine, which is basic and polar, with histidine, which is basic and polar, at codon 648 of the ACO2 protein (p.Arg648His).